The following is an entry in ClinVar:

ClinVar aggregate classification (germline): Uncertain significance (1 of 4 stars; one submission).

Allele frequency attached by ClinVar (database versions not stated): gnomAD 0.00001; gnomAD exomes 0.00001; TOPMed 0.00002; ExAC 0.00002.
gnomAD v4.1: 12 of 1,614,064 alleles (0.00074%); highest among the groups gnomAD compares: East Asian, 0.0089%; no homozygotes.

Submission:

Labcorp Genetics (formerly Invitae), Labcorp
Classification: Uncertain significance. Last evaluated: 2025-10-01. Review status: criteria provided, single submitter. Criteria: Invitae Variant Classification Sherloc (09022015). Collection method: clinical testing. Allele origin: germline.
Comment: This sequence change replaces arginine, which is basic and polar, with histidine, which is basic and polar, at codon 496 of the NCSTN protein (p.Arg496His). This variant is present in population databases (rs757610530, gnomAD 0.02%). This variant has not been reported in the literature in individuals affected with NCSTN-related conditions. ClinVar contains an entry for this variant (Variation ID: 2891916). Invitae Evidence Modeling of protein sequence and biophysical properties (such as structural, functional, and spatial information, amino acid conservation, physicochemical variation, residue mobility, and thermodynamic stability) has been performed for this missense variant. However, the output from this modeling did not meet the statistical confidence thresholds required to predict the impact of this variant on NCSTN protein function. In summary, the available evidence is currently insufficient to determine the role of this variant in disease. Therefore, it has been classified as a Variant of Uncertain Significance.

NM_015331.3(NCSTN):c.1487G>A (p.Arg496His)

Gene: NCSTN (nicastrin; plus strand). Cytogenetic location: 1q23.2.
Variant type: single nucleotide variant.
Coding change: c.1487G>A on transcript NM_015331.3 (MANE Select); coding-DNA position 1487, G replaced by A.
Protein change: p.Arg496His; replaces arginine 496 with histidine.
Molecular consequence: missense variant.
Genome position (GRCh38, 1-based): chr1:160,355,894, G>A. VCF-style: chr1-160355894-G-A. GRCh37 (hg19) VCF-style: chr1-160325684-G-A.
Other names: c.1427G>A, p.Arg476His (NM_001290184.2); c.1073G>A, p.Arg358His (NM_001290186.2); c.1487G>A, p.Arg496His (NM_001349729.2); short protein forms R476H, R358H, R496H.
Identifiers: ClinVar variation 2891916 (VCV002891916.3), dbSNP rs757610530, ClinGen allele CA1199020.